The following is an entry in ClinVar:

ClinVar aggregate classification (germline): Likely benign. Review status: criteria provided, multiple submitters, no conflicts (2 of 4 stars). 3 submissions from 3 submitters: Likely benign (3). Last evaluated 2025-09-06.

Conditions:
Ehlers-Danlos syndrome, musculocontractural type 2 (EDSMC2). Identifiers: Orphanet 2953, MedGen C3809845, MONDO:0014236, OMIM 615539.

Allele frequency attached by ClinVar (database versions not stated): TOPMed 0.00001.
gnomAD v4.1: 10 of 1,613,926 alleles (0.00062%); highest among the groups gnomAD compares: South Asian, 0.0011%; no homozygotes.

Submissions (3):

Labcorp Genetics (formerly Invitae), Labcorp
Classification: Likely benign for Ehlers-Danlos syndrome, musculocontractural type 2. Last evaluated: 2025-09-06. Review status: criteria provided, single submitter. Criteria: Invitae Variant Classification Sherloc (09022015). Collection method: clinical testing. Allele origin: germline.

CeGaT Center for Human Genetics Tuebingen
Classification: Likely benign. Last evaluated: 2022-05-01. Review status: criteria provided, single submitter. Criteria: CeGaT Center For Human Genetics Tuebingen Variant Classification Criteria Version 2. Collection method: clinical testing. Allele origin: germline. Affected: yes. Observed: 1 variant allele.
Comment: DSE: BP4, BP7

GeneDx
Classification: Likely benign. Last evaluated: 2018-09-27. Review status: criteria provided, single submitter. Criteria: GeneDx Variant Classification Process June 2021. Collection method: clinical testing. Allele origin: germline. Affected: yes.

NM_013352.4(DSE):c.1752G>C (p.Ala584=)

Gene: DSE (dermatan sulfate epimerase; plus strand). Cytogenetic location: 6q22.1.
Variant type: single nucleotide variant.
Coding change: c.1752G>C on transcript NM_013352.4 (MANE Select); coding-DNA position 1752, G replaced by C.
Protein change: p.Ala584=; no amino-acid change (alanine 584 retained).
Molecular consequence: synonymous variant. On other transcripts: 3 prime UTR variant (2), non-coding transcript variant (1).
Genome position (GRCh38, 1-based): chr6:116,436,220, G>C. VCF-style: chr6-116436220-G-C. GRCh37 (hg19) VCF-style: chr6-116757383-G-C.
Other names: c.1809G>C, p.Ala603= (NM_001322939.2); c.1191G>C, p.Ala397= (NM_001322940.2, NM_001322941.2); c.*617G>C (NM_001322943.2, NM_001322944.2); c.753G>C, p.Ala251= (NM_001374520.1); c.717G>C, p.Ala239= (NM_001374521.1); c.1752G>C, p.Ala584= (NM_001080976.3, NM_001322937.2, NM_001322938.2).
Identifiers: ClinVar variation 517685 (VCV000517685.41), dbSNP rs561665809, ClinGen allele CA3969707.
Genomic context (GRCh38, chr6:116,436,220, plus strand): 5'-GCTGCTTCTCCTTGTAGACCAAATACACCTGGGAGAGGAGAGTCCCTTGGAGACAGCAGC[G>C]AGCTTCTTCCATAATGTGGATGTTCCTTTTGAGGAGACTGTGGTAGATGGTGTCCATGGG-3'
Protein context (NP_037484.1, residues 574-594): LGEESPLETA[Ala584=]SFFHNVDVPF